The following is an entry in ClinVar:

ClinVar aggregate classification (germline): Conflicting classifications of pathogenicity. Review status: criteria provided, conflicting classifications (1 of 4 stars). 2 submissions from 2 submitters: Pathogenic (1); Uncertain significance (1). Last evaluated 2024-03-29.

Conditions:
Norman-Roberts syndrome (LIS2). Also called: Lissencephaly 2 (Norman-Roberts type). Identifiers: Orphanet 89844, MedGen C0796089, MONDO:0009760, OMIM 257320.
Familial temporal lobe epilepsy 7. Identifiers: Orphanet 101046, MedGen C4225327, MONDO:0014639, OMIM 616436.

Submissions (2):

Genomic Medicine Center of Excellence, King Faisal Specialist Hospital and Research Centre
Classification: Uncertain significance for Norman-Roberts syndrome. Last evaluated: 2024-03-29. Review status: criteria provided, single submitter. Criteria: ACMG Guidelines, 2015. Collection method: clinical testing. Allele origin: germline.

Labcorp Genetics (formerly Invitae), Labcorp
Classification: Pathogenic for Familial temporal lobe epilepsy 7; Norman-Roberts syndrome. Last evaluated: 2022-11-15. Review status: criteria provided, single submitter. Criteria: Invitae Variant Classification Sherloc (09022015). Collection method: clinical testing. Allele origin: germline.
Comment: This sequence change creates a premature translational stop signal (p.Ile1163Hisfs*48) in the RELN gene. It is expected to result in an absent or disrupted protein product. Loss-of-function variants in RELN are known to be pathogenic (PMID: 10973257, 26046367, 28454995). For these reasons, this variant has been classified as Pathogenic. ClinVar contains an entry for this variant (Variation ID: 840300). This variant has not been reported in the literature in individuals affected with RELN-related conditions. This variant is not present in population databases (gnomAD no frequency).

Literature cited by the submitters: PubMed 10973257 (cited by Labcorp Genetics (formerly Invitae), Labcorp); PubMed 26046367 (cited by Labcorp Genetics (formerly Invitae), Labcorp); PubMed 28454995 (cited by Labcorp Genetics (formerly Invitae), Labcorp).

NM_005045.4(RELN):c.3485dup (p.Ile1163fs)

Gene: RELN (reelin; minus strand). Cytogenetic location: 7q22.1.
Variant type: Duplication.
Coding change: c.3485dup on transcript NM_005045.4 (MANE Select); coding-DNA position 3485, one base duplicated (G; older notation c.3485dupG).
Protein change: p.Ile1163fs; shifts the reading frame from isoleucine 1163.
Molecular consequence: frameshift variant.
Genome position (GRCh38, 1-based): chr7:103,596,510, C duplicated on the plus strand (G on the coding strand, the reverse complement: RELN is on the minus strand); the first of 5 consecutive C bases (chr7:103,596,510-103,596,514); duplicating any one gives the same sequence. VCF-style (leftmost placement, unchanged base first): chr7-103596509-G-GC. GRCh37 (hg19) VCF-style: chr7-103236956-G-GC.
Other names: c.3485dup, p.Ile1163fs (NM_173054.3); short protein forms I1163fs.
Identifiers: ClinVar variation 840300 (VCV000840300.8), dbSNP rs1831540545, ClinGen allele CA916082944.